The following is an entry in ClinVar:

ClinVar aggregate classification (germline): Uncertain significance (1 of 4 stars; one submission).

Submission:

Ambry Genetics
Classification: Uncertain significance. Last evaluated: 2021-07-20. Review status: criteria provided, single submitter. Criteria: Ambry Variant Classification Scheme 2023. Collection method: clinical testing. Allele origin: germline.
Comment: The p.V375I variant (also known as c.1123G>A), located in coding exon 12 of the PRKDC gene, results from a G to A substitution at nucleotide position 1123. The valine at codon 375 is replaced by isoleucine, an amino acid with highly similar properties. This amino acid position is conserved. In addition, this alteration is predicted to be tolerated by in silico analysis. Since supporting evidence is limited at this time, the clinical significance of this alteration remains unclear.

NM_006904.7(PRKDC):c.1123G>A (p.Val375Ile)

Gene: PRKDC (protein kinase, DNA-activated, catalytic subunit; minus strand). Cytogenetic location: 8q11.21.
Variant type: single nucleotide variant.
Coding change: c.1123G>A on transcript NM_006904.7 (MANE Select); coding-DNA position 1123, G replaced by A.
Protein change: p.Val375Ile; replaces valine 375 with isoleucine.
Molecular consequence: missense variant.
Genome position (GRCh38, 1-based): chr8:47,936,508, C>T on the plus strand (G>A on the coding strand, the complement: PRKDC is on the minus strand). VCF-style: chr8-47936508-C-T. GRCh37 (hg19) VCF-style: chr8-48849068-C-T.
Other names: c.1123G>A, p.Val375Ile (NM_001081640.2); short protein forms V375I.
Identifiers: ClinVar variation 1798473 (VCV001798473.2), dbSNP rs763664375, ClinGen allele CA371166382.